The following is an entry in ClinVar:

ClinVar aggregate classification (germline): Uncertain significance (1 of 4 stars; one submission).

Submission:

Women's Health and Genetics/Laboratory Corporation of America, LabCorp
Classification: Uncertain significance. Last evaluated: 2023-10-17. Review status: criteria provided, single submitter. Criteria: LabCorp Variant Classification Summary - May 2015. Collection method: clinical testing. Allele origin: germline.
Comment: Variant summary: SCN11A c.1442G>C (p.Gly481Ala) results in a non-conservative amino acid change in the encoded protein sequence. Four of five in-silico tools predict a benign effect of the variant on protein function. The variant was absent in 245726 control chromosomes. The available data on variant occurrences in the general population are insufficient to allow any conclusion about variant significance. To our knowledge, no occurrence of c.1442G>C in individuals affected with Hereditary Sensory And Autonomic Neuropathy Type 7 and no experimental evidence demonstrating its impact on protein function have been reported. No submitters have cited clinical-significance assessments for this variant to ClinVar after 2014. Based on the evidence outlined above, the variant was classified as uncertain significance.

NM_001349253.2(SCN11A):c.1442G>C (p.Gly481Ala)

Gene: SCN11A (sodium voltage-gated channel alpha subunit 11; minus strand). Cytogenetic location: 3p22.2.
Variant type: single nucleotide variant.
Coding change: c.1442G>C on transcript NM_001349253.2 (MANE Select); coding-DNA position 1442, G replaced by C.
Protein change: p.Gly481Ala; replaces glycine 481 with alanine.
Molecular consequence: missense variant.
Genome position (GRCh38, 1-based): chr3:38,907,980, C>G on the plus strand (G>C on the coding strand, the complement: SCN11A is on the minus strand). VCF-style: chr3-38907980-C-G. GRCh37 (hg19) VCF-style: chr3-38949471-C-G.
Other names: c.1442G>C, p.Gly481Ala (NM_014139.3); short protein forms G481A.
Identifiers: ClinVar variation 2637782 (VCV002637782.1), dbSNP rs13059805, ClinGen allele CA352166528.